The following is an entry in ClinVar:

ClinVar aggregate classification (germline): Uncertain significance. Review status: criteria provided, multiple submitters, no conflicts (2 of 4 stars). 2 submissions from 2 submitters: Uncertain significance (2). Last evaluated 2026-05-02.

Conditions:
Hereditary cancer-predisposing syndrome. Also called: Tumor predisposition; Neoplastic Syndromes, Hereditary; Hereditary neoplastic syndrome; Hereditary Cancer Syndrome. Identifiers: Orphanet 140162, MedGen C0027672, MeSH D009386, MONDO:0015356.

Allele frequency attached by ClinVar (database versions not stated): gnomAD exomes below 0.00001.
gnomAD v4.1: 3 of 1,614,196 alleles (0.00019%); highest among the groups gnomAD compares: South Asian, 0.0011%; no homozygotes.

Submissions (2):

Ambry Genetics
Classification: Uncertain significance for Hereditary cancer-predisposing syndrome. Last evaluated: 2026-05-02. Review status: criteria provided, single submitter. Criteria: Ambry Variant Classification Scheme 2023. Collection method: clinical testing. Allele origin: germline.
Comment: The p.E1958K variant (also known as c.5872G>A), located in coding exon 43 of the POLE gene, results from a G to A substitution at nucleotide position 5872. The glutamic acid at codon 1958 is replaced by lysine, an amino acid with similar properties. This amino acid position is conserved. In addition, this alteration is predicted to be tolerated by in silico analysis. Based on the available evidence, the clinical significance of this variant remains unclear.

Labcorp Genetics (formerly Invitae), Labcorp
Classification: Uncertain significance. Last evaluated: 2025-04-23. Review status: criteria provided, single submitter. Criteria: Invitae Variant Classification Sherloc (09022015). Collection method: clinical testing. Allele origin: germline.
Comment: This sequence change replaces glutamic acid, which is acidic and polar, with lysine, which is basic and polar, at codon 1958 of the POLE protein (p.Glu1958Lys). This variant is not present in population databases (gnomAD no frequency). This variant has not been reported in the literature in individuals affected with POLE-related conditions. ClinVar contains an entry for this variant (Variation ID: 849818). An algorithm developed to predict the effect of missense changes on protein structure and function (PolyPhen-2) suggests that this variant is likely to be tolerated. In summary, the available evidence is currently insufficient to determine the role of this variant in disease. Therefore, it has been classified as a Variant of Uncertain Significance.

NM_006231.4(POLE):c.5872G>A (p.Glu1958Lys)

Gene: POLE (DNA polymerase epsilon, catalytic subunit; minus strand). Cytogenetic location: 12q24.33.
Variant type: single nucleotide variant.
Coding change: c.5872G>A on transcript NM_006231.4 (MANE Select); coding-DNA position 5872, G replaced by A.
Protein change: p.Glu1958Lys; replaces glutamic acid 1958 with lysine.
Molecular consequence: missense variant.
Genome position (GRCh38, 1-based): chr12:132,634,318, C>T on the plus strand (G>A on the coding strand, the complement: POLE is on the minus strand). VCF-style: chr12-132634318-C-T. GRCh37 (hg19) VCF-style: chr12-133210904-C-T.
Other names: c.5872G>A (NM_006231.2); short protein forms E1958K.
Identifiers: ClinVar variation 849818 (VCV000849818.10), dbSNP rs2041993181, ClinGen allele CA387371701.